The following is an entry in ClinVar:

NM_017617.5(NOTCH1):c.3598G>A (p.Asp1200Asn)

Gene: NOTCH1 (notch receptor 1; minus strand). Cytogenetic location: 9q34.3.
Variant type: single nucleotide variant.
Coding change: c.3598G>A on transcript NM_017617.5 (MANE Select); coding-DNA position 3598, G replaced by A.
Protein change: p.Asp1200Asn; replaces aspartic acid 1200 with asparagine.
Molecular consequence: missense variant.
Genome position (GRCh38, 1-based): chr9:136,507,350, C>T on the plus strand (G>A on the coding strand, the complement: NOTCH1 is on the minus strand). VCF-style: chr9-136507350-C-T. GRCh37 (hg19) VCF-style: chr9-139401802-C-T.
Other names: c.3598G>A, p.Asp1200Asn (LRG_1122t1); short protein forms D1200N.
Identifiers: ClinVar variation 134928 (VCV000134928.14), dbSNP rs544640305, ClinGen allele CA161183.
Genomic context (GRCh38, chr9:136,507,350, plus strand): 5'-TGCAGCGGCCCTTACCCTGAGTGCCCCGTGGGCAGGAGCACTTGTAGGTGTTGGGGAGGT[C>T]GAGGCAGGTGCCCCCGTTCTGGCAGGGGTGGGAGAGGCACTCGTCGATCTCCTCAGAGCA-3'
Protein context (NP_060087.3, residues 1190-1210): HPCQNGGTCL[Asp1200Asn]LPNTYKCSCP

ClinVar aggregate classification (germline): Conflicting classifications of pathogenicity. Review status: criteria provided, conflicting classifications (1 of 4 stars). 4 submissions from 4 submitters: Uncertain significance (1); Likely benign (2). 1 of the submissions does not count toward it. Last evaluated 2025-12-09.

Conditions:
Adams-Oliver syndrome 5 (AOS5). Identifiers: Orphanet 974, MedGen C4014970, MONDO:0014459, OMIM 616028.

Allele frequency attached by ClinVar (database versions not stated): gnomAD exomes 0.00009 and 0.00004; ExAC 0.00014; 1000 Genomes Project 30x 0.00016; 1000 Genomes Project 0.00020; gnomAD 0.00001; TOPMed 0.00002.
gnomAD v4.1: 66 of 1,612,892 alleles (0.0041%); highest among the groups gnomAD compares: Middle Eastern, 0.083%; no homozygotes.

Submissions (4):

Women's Health and Genetics/Laboratory Corporation of America, LabCorp
Classification: Likely benign. Last evaluated: 2025-12-09. Review status: criteria provided, single submitter. Criteria: LabCorp Variant Classification Summary - May 2015. Collection method: clinical testing. Allele origin: germline.
Comment: Variant summary: NOTCH1 c.3598G>A (p.Asp1200Asn) results in a conservative amino acid change in the encoded protein sequence. Algorithms developed to predict the effect of missense changes on protein structure and function are either unavailable or do not agree on the potential impact of this missense change. The variant allele was found at a frequency of 9.3e-05 in 247078 control chromosomes. The observed variant frequency exceeds the estimated maximal expected allele frequency for disease-causing variants in NOTCH1. To our knowledge, no occurrence of c.3598G>A in individuals affected with NOTCH1-related conditions and no experimental evidence demonstrating its impact on protein function have been reported. ClinVar contains an entry for this variant (Variation ID: 134928). Based on the evidence outlined above, the variant was classified as likely benign.

Labcorp Genetics (formerly Invitae), Labcorp
Classification: Likely benign for Adams-Oliver syndrome 5. Last evaluated: 2025-06-23. Review status: criteria provided, single submitter. Criteria: Invitae Variant Classification Sherloc (09022015). Collection method: clinical testing. Allele origin: germline.

GeneDx
Classification: Uncertain significance. Last evaluated: 2023-01-04. Review status: criteria provided, single submitter. Criteria: GeneDx Variant Classification Process June 2021. Collection method: clinical testing. Allele origin: germline. Affected: yes.
Comment: In silico analysis supports that this missense variant has a deleterious effect on protein structure/function; Has not been previously published as pathogenic or benign in association with a NOTCH1-related disorder to our knowledge; This variant is associated with the following publications: (PMID: 24728327)

ITMI
No classification provided. Condition: AllHighlyPenetrant. Last evaluated: 2013-09-19. Review status: no classification provided. Collection method: reference population. Allele origin: germline. Not counted in ClinVar's aggregate classification.
Comment: Please see associated publication for description of ethnicities

Literature cited by the submitters: PubMed 24728327 (cited by ITMI).